The following is an entry in ClinVar:

NM_032776.3(JMJD1C):c.6570+3G>A

Gene: JMJD1C (jumonji domain containing 1C; minus strand). Cytogenetic location: 10q21.3.
Variant type: single nucleotide variant.
Coding change: c.6570+3G>A on transcript NM_032776.3 (MANE Select); 3 bases into the intron after coding-DNA position 6570, G replaced by A.
Molecular consequence: intron variant.
Genome position (GRCh38, 1-based): chr10:63,189,165, C>T on the plus strand (G>A on the coding strand, the complement: JMJD1C is on the minus strand). VCF-style: chr10-63189165-C-T. GRCh37 (hg19) VCF-style: chr10-64948925-C-T.
Other names: c.5913+3G>A (NM_001322258.2, NM_001322254.2); c.6024+3G>A (NM_001318154.2, NM_001282948.2); c.6456+3G>A (NM_001322252.2); c.5706+3G>A (NM_001318153.2).
Identifiers: ClinVar variation 460269 (VCV000460269.12), dbSNP rs76935733, ClinGen allele CA5517862.

ClinVar aggregate classification (germline): Benign/Likely benign. Review status: criteria provided, multiple submitters, no conflicts (2 of 4 stars). 2 submissions from 2 submitters: Benign (1); Likely benign (1). Last evaluated 2026-01-28.

Conditions:
Early Myoclonic Encephalopathy. Identifiers: MedGen C0270855.

Allele frequency attached by ClinVar (database versions not stated): TOPMed 0.01038; gnomAD 0.00908; 1000 Genomes Project 30x 0.01359; ESP Exome Variant Server 0.00924; 1000 Genomes Project 0.01218.
gnomAD v4.1: 2,796 of 1,602,552 alleles (0.17%); highest among the groups gnomAD compares: African/African-American, 3.4%; 43 homozygotes.

Submissions (2):

Labcorp Genetics (formerly Invitae), Labcorp
Classification: Benign for Early Myoclonic Encephalopathy. Last evaluated: 2026-01-28. Review status: criteria provided, single submitter. Criteria: Invitae Variant Classification Sherloc (09022015). Collection method: clinical testing. Allele origin: germline.

Center for Genomics, Ann and Robert H. Lurie Children's Hospital of Chicago
Classification: Likely benign. Last evaluated: 2022-04-14. Review status: criteria provided, single submitter. Criteria: ACMG Guidelines, 2015. Collection method: clinical testing. Allele origin: germline.
Comment: JMJD1C NM_032776.2 intron 18 c.6570+3G>A:This variant has not been reported in the literature but is present in the Genome Aggregation Database (Highest reported MAF 3.3% (1374/41424) including 24 homozygotes. Evolutionary conservation and computational predictive tools for this variant are limited or unavailable. Although this variant occurs in the splice region, computational prediction tools do not suggest that it alters splicing. However, further studies are needed to understand its impact. This variant is present in ClinVar (Variation ID:460269). In summary, data on this variant suggests that this variant does not cause disease but requires further evidence. Therefore, this variant is classified as likely benign.